The following is an entry in ClinVar:

NM_001174089.2(SLC4A11):c.75C>G (p.Tyr25Ter)

Gene: SLC4A11 (solute carrier family 4 member 11; minus strand). Cytogenetic location: 20p13.
Variant type: single nucleotide variant.
Coding change: c.75C>G on transcript NM_001174089.2 (MANE Select); coding-DNA position 75, C replaced by G.
Protein change: p.Tyr25Ter; replaces tyrosine 25 with a stop codon.
Molecular consequence: nonsense. On other transcripts: non-coding transcript variant (3).
Genome position (GRCh38, 1-based): chr20:3,237,557, G>C on the plus strand (C>G on the coding strand, the complement: SLC4A11 is on the minus strand). VCF-style: chr20-3237557-G-C. GRCh37 (hg19) VCF-style: chr20-3218203-G-C.
Other names: c.204C>G, p.Tyr68Ter (NM_001174090.2, NM_001400280.1); c.75C>G, p.Tyr25Ter (NM_001363745.2); c.18C>G, p.Tyr6Ter (NM_001400277.1, NM_001400278.1, NM_001400279.1); c.123C>G, p.Tyr41Ter (NM_032034.4); short protein forms Y68*, Y25*, Y41*, Y6*.
Identifiers: ClinVar variation 2810495 (VCV002810495.3), dbSNP rs2068021128, ClinGen allele CA408064700.
Genomic context (GRCh38, chr20:3,237,557, plus strand): 5'-CCCGACAAGCTCTCTCTGCACACACACACTCCCCGAGAGGTACTCACTTGAATCCTCGAA[G>C]TATCCATTCTGCGACATGGTGGGAGAGTTTTCTGCAAGGGAAGCAGAAAGGTCACCAGCC-3'

ClinVar aggregate classification (germline): Pathogenic (1 of 4 stars; one submission).

Submission:

Labcorp Genetics (formerly Invitae), Labcorp
Classification: Pathogenic. Last evaluated: 2023-07-16. Review status: criteria provided, single submitter. Criteria: Invitae Variant Classification Sherloc (09022015). Collection method: clinical testing. Allele origin: germline.
Comment: This sequence change creates a premature translational stop signal (p.Tyr41*) in the SLC4A11 gene. It is expected to result in an absent or disrupted protein product. Loss-of-function variants in SLC4A11 are known to be pathogenic (PMID: 17220209, 17679935). For these reasons, this variant has been classified as Pathogenic. This variant has not been reported in the literature in individuals affected with SLC4A11-related conditions. This variant is not present in population databases (gnomAD no frequency).

Literature cited by the submitters: PubMed 17220209; PubMed 17679935.